The following is an entry in ClinVar:

NM_001395656.1(ROBO2):c.1296G>T (p.Thr432=)

Gene: ROBO2 (roundabout guidance receptor 2; plus strand). Cytogenetic location: 3p12.3.
Variant type: single nucleotide variant.
Coding change: c.1296G>T on transcript NM_001395656.1 (MANE Select); coding-DNA position 1296, G replaced by T.
Protein change: p.Thr432=; no amino-acid change (threonine 432 retained).
Molecular consequence: synonymous variant. On other transcripts: 5 prime UTR variant (1).
Genome position (GRCh38, 1-based): chr3:77,557,996, G>T. VCF-style: chr3-77557996-G-T. GRCh37 (hg19) VCF-style: chr3-77607147-G-T.
Other names: c.1332G>T, p.Thr444= (NM_001128929.3); c.1296G>T, p.Thr432= (NM_001290039.2, NM_001290040.2, NM_001378202.1); c.-635G>T (NM_001290065.2); c.1344G>T, p.Thr448= (NM_001378190.1, NM_001378191.1, NM_001378195.1 and 4 more transcripts); c.1365G>T, p.Thr455= (NM_001378192.1, NM_001378194.1, NM_001378198.1 and 2 more transcripts); c.1284G>T, p.Thr428= (NM_001378193.1, NM_001378197.1, NM_002942.5); c.1353G>T, p.Thr451= (NM_001394212.1, NM_001394214.1, NM_001395657.1).
Identifiers: ClinVar variation 346685 (VCV000346685.13), dbSNP rs191732065, ClinGen allele CA2497017.
Genomic context (GRCh38, chr3:77,557,996, plus strand): 5'-TTCTTCAGTTTTGACAGATAGACCTCCACCTATAATTCTACAAGGCCCAGCCAACCAAAC[G>T]CTGGCAGTGGATGGTACAGCGTTACTGAAATGTAAAGCCACTGGTGATCCTCTTCCTGTA-3'
Protein context (NP_001382585.1, residues 422-442): PIILQGPANQ[Thr432=]LAVDGTALLK

ClinVar aggregate classification (germline): Benign/Likely benign. Review status: criteria provided, multiple submitters, no conflicts (2 of 4 stars). 4 submissions from 4 submitters: Benign (2); Likely benign (2). Last evaluated 2026-01-24.

Conditions:
Vesicoureteral reflux 2 (VUR2). Identifiers: Orphanet 289365, MedGen C1970483, MONDO:0012573, OMIM 610878.

Allele frequency attached by ClinVar (database versions not stated): gnomAD 0.00011 and 0.00020; TOPMed 0.00011; 1000 Genomes Project 30x 0.00047; ExAC 0.00051; 1000 Genomes Project 0.00060.
gnomAD v4.1: 578 of 1,613,086 alleles (0.036%); highest among the groups gnomAD compares: East Asian, 1.2%; 4 homozygotes.

Submissions (4):

Labcorp Genetics (formerly Invitae), Labcorp
Classification: Benign. Last evaluated: 2026-01-24. Review status: criteria provided, single submitter. Criteria: Invitae Variant Classification Sherloc (09022015). Collection method: clinical testing. Allele origin: germline.

Blueprint Genetics
Classification: Likely benign. Last evaluated: 2024-10-29. Review status: criteria provided, single submitter. Criteria: ACMG Guidelines, 2015. Collection method: clinical testing. Allele origin: germline.

Fulgent Genetics
Classification: Likely benign for Vesicoureteral reflux 2. Last evaluated: 2021-11-04. Review status: criteria provided, single submitter. Criteria: ACMG Guidelines, 2015. Collection method: clinical testing. Allele origin: unknown.

Illumina Laboratory Services, Illumina
Classification: Benign for Vesicoureteral reflux 2. Last evaluated: 2018-01-12. Review status: criteria provided, single submitter. Criteria: ICSL Variant Classification Criteria 13 December 2019. Collection method: clinical testing. Allele origin: germline.
Comment: This variant was observed in the ICSL laboratory as part of a predisposition screen in an ostensibly healthy population. It had not been previously curated by ICSL or reported in the Human Gene Mutation Database (HGMD: prior to June 1st, 2018), and was therefore a candidate for classification through an automated scoring system. Utilizing variant allele frequency, disease prevalence and penetrance estimates, and inheritance mode, an automated score was calculated to assess if this variant is too frequent to cause the disease. Based on the score and internal cut-off values, a variant classified as benign is not then subjected to further curation. The score for this variant resulted in a classification of benign for this disease.